The following is an entry in ClinVar:

ClinVar aggregate classification (germline): Uncertain significance (1 of 4 stars; one submission).

Submission:

Labcorp Genetics (formerly Invitae), Labcorp
Classification: Uncertain significance. Last evaluated: 2022-07-29. Review status: criteria provided, single submitter. Criteria: Invitae Variant Classification Sherloc (09022015). Collection method: clinical testing. Allele origin: germline.
Comment: In summary, the available evidence is currently insufficient to determine the role of this variant in disease. Therefore, it has been classified as a Variant of Uncertain Significance. Algorithms developed to predict the effect of missense changes on protein structure and function are either unavailable or do not agree on the potential impact of this missense change (SIFT: "Tolerated"; PolyPhen-2: "Probably Damaging"; Align-GVGD: "Class C0"). This variant has not been reported in the literature in individuals affected with KIAA1549-related conditions. This variant is not present in population databases (gnomAD no frequency). This sequence change replaces threonine, which is neutral and polar, with serine, which is neutral and polar, at codon 1065 of the KIAA1549 protein (p.Thr1065Ser).

NM_001164665.2(KIAA1549):c.3194C>G (p.Thr1065Ser)

Gene: KIAA1549 (KIAA1549; minus strand). Cytogenetic location: 7q34.
Variant type: single nucleotide variant.
Coding change: c.3194C>G on transcript NM_001164665.2 (MANE Select); coding-DNA position 3194, C replaced by G.
Protein change: p.Thr1065Ser; replaces threonine 1065 with serine.
Molecular consequence: missense variant.
Genome position (GRCh38, 1-based): chr7:138,909,073, G>C on the plus strand (C>G on the coding strand, the complement: KIAA1549 is on the minus strand). VCF-style: chr7-138909073-G-C. GRCh37 (hg19) VCF-style: chr7-138593819-G-C.
Other names: c.3194C>G, p.Thr1065Ser (NM_020910.3); short protein forms T1065S.
Identifiers: ClinVar variation 1714240 (VCV001714240.5), dbSNP rs1175802187, ClinGen allele CA369387339.
Genomic context (GRCh38, chr7:138,909,073, plus strand): 5'-CCCTGGTGGTGTTTTCTCACTTCAAAGAGAGCTGTCATTAGGCCTTTCTCAATGCGCTGG[G>C]TGAAGTTGCAGAAGCCAGTATCCACACTCGGAGGCACAAACTGAAGTACTGAAAAGAAAA-3'
Protein context (NP_001158137.1, residues 1055-1075): PSVDTGFCNF[Thr1065Ser]QRIEKGLMTA